The following is an entry in ClinVar:

NM_014053.4(FLVCR1):c.883G>A (p.Ala295Thr)

Gene: FLVCR1 (FLVCR choline and heme transporter 1; plus strand). Cytogenetic location: 1q32.3.
Variant type: single nucleotide variant.
Coding change: c.883G>A on transcript NM_014053.4 (MANE Select); coding-DNA position 883, G replaced by A.
Protein change: p.Ala295Thr; replaces alanine 295 with threonine.
Molecular consequence: missense variant.
Genome position (GRCh38, 1-based): chr1:212,863,869, G>A. VCF-style: chr1-212863869-G-A. GRCh37 (hg19) VCF-style: chr1-213037211-G-A.
Other names: short protein forms A295T.
Identifiers: ClinVar variation 1398907 (VCV001398907.8), dbSNP rs2102536541, ClinGen allele CA344790282.
Genomic context (GRCh38, chr1:212,863,869, plus strand): 5'-AGCACCATGTTTTATGGAACATCAGCTGTTGCCACACTTTTATTTATTTTAACAGCAATT[G>A]GTAAGTGAATTACTTTCCCTAAAGCTTAAATGAATGCATGATAGAAATTTGAGAATAACT-3'
Protein context (NP_054772.1, residues 285-305): ATLLFILTAI[Ala295Thr]FKEKPRYPPS

ClinVar aggregate classification (germline): Uncertain significance (1 of 4 stars; one submission).

Submission:

Labcorp Genetics (formerly Invitae), Labcorp
Classification: Uncertain significance. Last evaluated: 2024-01-29. Review status: criteria provided, single submitter. Criteria: Invitae Variant Classification Sherloc (09022015). Collection method: clinical testing. Allele origin: germline.
Comment: This sequence change replaces alanine, which is neutral and non-polar, with threonine, which is neutral and polar, at codon 295 of the FLVCR1 protein (p.Ala295Thr). This variant also falls at the last nucleotide of exon 2, which is part of the consensus splice site for this exon. This variant is not present in population databases (gnomAD no frequency). This variant has not been reported in the literature in individuals affected with FLVCR1-related conditions. ClinVar contains an entry for this variant (Variation ID: 1398907). An algorithm developed to predict the effect of missense changes on protein structure and function (PolyPhen-2) suggests that this variant is likely to be tolerated. Variants that disrupt the consensus splice site are a relatively common cause of aberrant splicing (PMID: 17576681, 9536098). Algorithms developed to predict the effect of sequence changes on RNA splicing suggest that this variant may disrupt the consensus splice site. In summary, the available evidence is currently insufficient to determine the role of this variant in disease. Therefore, it has been classified as a Variant of Uncertain Significance.

Literature cited by the submitters: PubMed 17576681; PubMed 9536098.